The following is an entry in ClinVar:

NM_004991.4(MECOM):c.1601T>C (p.Ile534Thr)

Gene: MECOM (MDS1 and EVI1 complex locus; minus strand). Cytogenetic location: 3q26.2.
Variant type: single nucleotide variant.
Coding change: c.1601T>C on transcript NM_004991.4 (MANE Select); coding-DNA position 1601, T replaced by C.
Protein change: p.Ile534Thr; replaces isoleucine 534 with threonine.
Molecular consequence: missense variant. On other transcripts: intron variant (2).
Genome position (GRCh38, 1-based): chr3:169,116,271, A>G on the plus strand (T>C on the coding strand, the complement: MECOM is on the minus strand). VCF-style: chr3-169116271-A-G. GRCh37 (hg19) VCF-style: chr3-168834059-A-G.
Other names: c.1232T>C, p.Ile411Thr (NM_001105077.4); c.1037T>C, p.Ile346Thr (NM_001105078.4, NM_001164000.2, NM_001205194.2 and 4 more transcripts); c.1040T>C, p.Ile347Thr (NM_001163999.2, NM_001366467.2, NM_001366468.2 and 1 more transcripts); c.1601T>C, p.Ile534Thr (NM_001366466.2); c.1133-504T>C (NM_001366473.2); c.569-504T>C (NM_001366474.2); short protein forms I346T, I347T, I411T, I534T.
Identifiers: ClinVar variation 4053333 (VCV004053333.1).
Genomic context (GRCh38, chr3:169,116,271, plus strand): 5'-TTGTCCCCTACAGATGGGTGTTTAGATAGTGCCTTCAAAATATCCTGTGTAGCTGGCAGT[A>G]TCTGAGGATGTGTCATGAGGGGACTTTGACTTTTGTTTGTCTGTTCAGTACTTGATAGTC-3'
Protein context (NP_004982.2, residues 524-544): SQSPLMTHPQ[Ile534Thr]LPATQDILKA

ClinVar aggregate classification (germline): Uncertain significance (1 of 4 stars; one submission).

Conditions:
Inborn genetic diseases. Identifiers: MedGen C0950123, MeSH D030342.

Submission:

Ambry Genetics
Classification: Uncertain significance for Inborn genetic diseases. Last evaluated: 2025-06-09. Review status: criteria provided, single submitter. Criteria: Ambry Variant Classification Scheme 2023. Collection method: clinical testing. Allele origin: germline.
Comment: The p.I534T variant (also known as c.1601T>C), located in coding exon 8 of the MECOM gene, results from a T to C substitution at nucleotide position 1601. The isoleucine at codon 534 is replaced by threonine, an amino acid with similar properties. This amino acid position is conserved. In addition, this alteration is predicted to be tolerated by in silico analysis. Based on the available evidence, the clinical significance of this variant remains unclear.